The following is an entry in ClinVar:

NM_000135.4(FANCA):c.2870G>A (p.Trp957Ter)

Gene: FANCA (FA complementation group A; minus strand). Cytogenetic location: 16q24.3.
Variant type: single nucleotide variant.
Coding change: c.2870G>A on transcript NM_000135.4 (MANE Select); coding-DNA position 2870, G replaced by A.
Protein change: p.Trp957Ter; replaces tryptophan 957 with a stop codon.
Molecular consequence: nonsense.
Genome position (GRCh38, 1-based): chr16:89,758,688, C>T on the plus strand (G>A on the coding strand, the complement: FANCA is on the minus strand). VCF-style: chr16-89758688-C-T. GRCh37 (hg19) VCF-style: chr16-89825096-C-T.
Other names: c.2870G>A (LRG_495t1); c.2870G>A, p.Trp957Ter (NM_001286167.3); short protein forms W957*.
Identifiers: ClinVar variation 552462 (VCV000552462.10), dbSNP rs927630499, ClinGen allele CA286549223.

ClinVar aggregate classification (germline): Pathogenic. Review status: criteria provided, multiple submitters, no conflicts (2 of 4 stars). 5 submissions from 5 submitters: Pathogenic (3). 2 of the submissions do not count toward it. Last evaluated 2024-04-24.

Conditions:
Fanconi anemia (FA). Also called: Fanconi's anemia. Identifiers: Orphanet 84, MedGen C0015625, MeSH D005199, MONDO:0019391.
Fanconi anemia complementation group A (FANCA). Also called: Fanconi anemia, group A; FANCA-Related Fanconi Anemia. Identifiers: Orphanet 84, MedGen C3469521, MONDO:0009215, OMIM 227650.

Submissions (5):

Fulgent Genetics
Classification: Pathogenic for Fanconi anemia complementation group A. Last evaluated: 2024-04-24. Review status: criteria provided, single submitter. Criteria: ACMG Guidelines, 2015. Collection method: clinical testing. Allele origin: germline.

Baylor Genetics
Classification: Pathogenic for Fanconi anemia complementation group A. Last evaluated: 2023-07-09. Review status: criteria provided, single submitter. Criteria: ACMG Guidelines, 2015. Collection method: clinical testing. Allele origin: unknown.

Labcorp Genetics (formerly Invitae), Labcorp
Classification: Pathogenic for Fanconi anemia. Last evaluated: 2022-06-21. Review status: criteria provided, single submitter. Criteria: Invitae Variant Classification Sherloc (09022015). Collection method: clinical testing. Allele origin: germline.
Comment: For these reasons, this variant has been classified as Pathogenic. ClinVar contains an entry for this variant (Variation ID: 552462). This premature translational stop signal has been observed in individual(s) with Fanconi anemia (PMID: 17924555, 30792206). This variant is not present in population databases (gnomAD no frequency). This sequence change creates a premature translational stop signal (p.Trp957*) in the FANCA gene. It is expected to result in an absent or disrupted protein product. Loss-of-function variants in FANCA are known to be pathogenic (PMID: 19367192).

Leiden Open Variation Database
Classification: Pathogenic for Fanconi anemia complementation group A. Last evaluated: 2020-02-28. Review status: no assertion criteria provided. Collection method: curation. Allele origin: germline. Affected: yes. Not counted in ClinVar's aggregate classification.
Comment: Curator: Arleen D. Auerbach. Submitter to LOVD: Johan de Winter.

Counsyl
Classification: Pathogenic for Fanconi anemia complementation group A. Last evaluated: 2017-06-12. Review status: no assertion criteria provided. Collection method: clinical testing. Allele origin: unknown. Not counted in ClinVar's aggregate classification.

Literature cited by the submitters: PubMed 17924555 (cited by 3 submitters); PubMed 30792206 (cited by Labcorp Genetics (formerly Invitae), Labcorp); PubMed 19367192 (cited by Labcorp Genetics (formerly Invitae), Labcorp); PubMed 22778927 (cited by Leiden Open Variation Database and Counsyl); PubMed 24037726 (cited by Counsyl).